The following is an entry in ClinVar:

NM_002206.3(ITGA7):c.2567T>C (p.Leu856Pro)

Gene: ITGA7 (integrin subunit alpha 7; minus strand). Cytogenetic location: 12q13.2.
Variant type: single nucleotide variant.
Coding change: c.2567T>C on transcript NM_002206.3 (MANE Select); coding-DNA position 2567, T replaced by C.
Protein change: p.Leu856Pro; replaces leucine 856 with proline.
Molecular consequence: missense variant.
Genome position (GRCh38, 1-based): chr12:55,693,286, A>G on the plus strand (T>C on the coding strand, the complement: ITGA7 is on the minus strand). VCF-style: chr12-55693286-A-G. GRCh37 (hg19) VCF-style: chr12-56087070-A-G.
Other names: c.2579T>C, p.Leu860Pro (NM_001144996.2); c.2288T>C, p.Leu763Pro (NM_001144997.2); c.2240T>C, p.Leu747Pro (NM_001367993.1); c.1223T>C, p.Leu408Pro (NM_001367994.1); c.2549T>C, p.Leu850Pro (NM_001374465.1); c.2699T>C, p.Leu900Pro (NM_001410977.1); c.2561T>C, p.Leu854Pro (NM_001414029.1); c.2492T>C, p.Leu831Pro (NM_001414030.1); and 5 more; short protein forms L408P, L856P, L860P, L747P, L763P, L850P, L900P, L743P.
Identifiers: ClinVar variation 1442719 (VCV001442719.6), dbSNP rs1403426045, ClinGen allele CA385181777.

ClinVar aggregate classification (germline): Uncertain significance (1 of 4 stars; one submission).

Conditions:
Congenital muscular dystrophy due to integrin alpha-7 deficiency. Also called: MYOPATHY, CONGENITAL, DUE TO INTEGRIN ALPHA-7 DEFICIENCY; Congenital muscular dystrophy with integrin alpha-7 deficiency; Muscular dystrophy, congenital, due to ITGA7 deficiency. Identifiers: Orphanet 34520, MedGen C2750786, MONDO:0013177, OMIM 613204.

Allele frequency attached by ClinVar (database versions not stated): gnomAD exomes below 0.00001 and 0.00001; gnomAD 0.00001; TOPMed 0.00001.
gnomAD v4.1: 22 of 1,613,936 alleles (0.0014%); highest among the groups gnomAD compares: Non-Finnish European, 0.0019%; no homozygotes.

Submission:

Labcorp Genetics (formerly Invitae), Labcorp
Classification: Uncertain significance for Congenital muscular dystrophy due to integrin alpha-7 deficiency. Last evaluated: 2021-01-30. Review status: criteria provided, single submitter. Criteria: Invitae Variant Classification Sherloc (09022015). Collection method: clinical testing. Allele origin: germline.
Comment: This sequence change replaces leucine with proline at codon 856 of the ITGA7 protein (p.Leu856Pro). The leucine residue is moderately conserved and there is a moderate physicochemical difference between leucine and proline. This variant is not present in population databases (ExAC no frequency). In summary, the available evidence is currently insufficient to determine the role of this variant in disease. Therefore, it has been classified as a Variant of Uncertain Significance. Algorithms developed to predict the effect of missense changes on protein structure and function are either unavailable or do not agree on the potential impact of this missense change (SIFT: "Deleterious"; PolyPhen-2: "Probably Damaging"; Align-GVGD: "Class C0"). This variant has not been reported in the literature in individuals with ITGA7-related conditions.